The following is an entry in ClinVar:

NM_001927.4(DES):c.74_75inv (p.Pro25Leu)

Gene: DES (desmin; plus strand). Cytogenetic location: 2q35.
Variant type: Inversion.
Coding change: c.74_75inv on transcript NM_001927.4 (MANE Select).
Protein change: p.Pro25Leu; replaces proline 25 with leucine.
Molecular consequence: missense variant.
Genome position: GRCh38 VCF-style: chr2-219418536-CA-TG. GRCh37 (hg19) VCF-style: chr2-220283258-CA-TG.
Other names: c.74_75inv, p.Pro25Leu (NM_001382708.1, NM_001382709.1, NM_001382710.1 and 3 more transcripts); short protein forms P25L.
Identifiers: ClinVar variation 1425184 (VCV001425184.8), ClinGen allele CA2573135504.

ClinVar aggregate classification (germline): Uncertain significance (1 of 4 stars; one submission).

Conditions:
Desmin-related myofibrillar myopathy (MFM1). Also called: MYOFIBRILLAR MYOPATHY WITH ARRHYTHMOGENIC RIGHT VENTRICULAR CARDIOMYOPATHY; DESMIN-RELATED MYOPATHY WITH ARRHYTHMOGENIC RIGHT VENTRICULAR CARDIOMYOPATHY; Desminopathy; Desmin related myopathy (former name); Desmin storage myopathy (former name); Myofibrillar myopathy 1. Identifiers: Orphanet 363543, Orphanet 98909, MedGen C1832370, MONDO:0011076, OMIM 601419.

Submission:

Labcorp Genetics (formerly Invitae), Labcorp
Classification: Uncertain significance for Desmin-related myofibrillar myopathy. Last evaluated: 2022-12-02. Review status: criteria provided, single submitter. Criteria: Invitae Variant Classification Sherloc (09022015). Collection method: clinical testing. Allele origin: germline.
Comment: In summary, the available evidence is currently insufficient to determine the role of this variant in disease. Therefore, it has been classified as a Variant of Uncertain Significance. Experimental studies and prediction algorithms are not available or were not evaluated, and the functional significance of this variant is currently unknown. ClinVar contains an entry for this variant (Variation ID: 1425184). This variant has not been reported in the literature in individuals affected with DES-related conditions. Information on the frequency of this variant in the gnomAD database is not available, as this variant may be reported differently in the database. This sequence change replaces proline, which is neutral and non-polar, with leucine, which is neutral and non-polar, at codon 25 of the DES protein (p.Pro25Leu).